The following is an entry in ClinVar:

NM_001165963.4(SCN1A):c.1463del (p.Lys488fs)

Gene: SCN1A (sodium voltage-gated channel alpha subunit 1; minus strand). Cytogenetic location: 2q24.3.
Variant type: Deletion.
Coding change: c.1463del on transcript NM_001165963.4 (MANE Select); coding-DNA position 1463, one base deleted (A; older notation c.1463delA).
Protein change: p.Lys488fs; shifts the reading frame from lysine 488.
Molecular consequence: frameshift variant. On other transcripts: 5 prime UTR variant (1), non-coding transcript variant (1).
Genome position (GRCh38, 1-based): chr2:166,045,242, T deleted on the plus strand (A on the coding strand, the reverse complement: SCN1A is on the minus strand); the first of 2 consecutive T bases (chr2:166,045,242-166,045,243); deleting either gives the same sequence. VCF-style (leftmost placement, unchanged base first): chr2-166045241-CT-C. GRCh37 (hg19) VCF-style: chr2-166901751-CT-C.
Other names: c.1463del, p.Lys488fs (NM_001165964.3, NM_001202435.3, NM_001353948.2 and 7 more transcripts); c.1460del, p.Lys487fs (NM_001353954.2, NM_001353955.2, NM_001353960.2); c.-963del (NM_001353961.2); short protein forms K487fs, K488fs.
Identifiers: ClinVar variation 858532 (VCV000858532.8), dbSNP rs1697674296, ClinGen allele CA916082247.

ClinVar aggregate classification (germline): Pathogenic (1 of 4 stars; one submission).

Conditions:
Early-infantile DEE. Also called: Early infantile epileptic encephalopathy; Early infantile epileptic encephalopathy with suppression bursts; Ohtahara syndrome. Identifiers: Orphanet 1934, MedGen C0393706, MONDO:0800491.

Submission:

Labcorp Genetics (formerly Invitae), Labcorp
Classification: Pathogenic for Early-infantile DEE. Last evaluated: 2022-02-05. Review status: criteria provided, single submitter. Criteria: Invitae Variant Classification Sherloc (09022015). Collection method: clinical testing. Allele origin: germline.
Comment: For these reasons, this variant has been classified as Pathogenic. ClinVar contains an entry for this variant (Variation ID: 858532). This variant has not been reported in the literature in individuals affected with SCN1A-related conditions. This variant is not present in population databases (gnomAD no frequency). This sequence change creates a premature translational stop signal (p.Lys488Serfs*2) in the SCN1A gene. It is expected to result in an absent or disrupted protein product. Loss-of-function variants in SCN1A are known to be pathogenic (PMID: 17347258, 18930999).

Literature cited by the submitters: PubMed 17347258; PubMed 18930999.